The following is an entry in ClinVar:

NM_000038.6(APC):c.4393_4394del (p.Ser1465fs)

Gene: APC (APC regulator of Wnt signaling pathway; plus strand). Cytogenetic location: 5q22.2.
Variant type: Microsatellite.
Coding change: c.4393_4394del on transcript NM_000038.6 (MANE Select); coding-DNA positions 4393 to 4394, 2 bases deleted (AG; older notation c.4393_4394delAG).
Protein change: p.Ser1465fs; shifts the reading frame from serine 1465.
Molecular consequence: frameshift variant.
Genome position (GRCh38, 1-based): chr5:112,839,987-112,839,988, AG deleted; deleting any 2 consecutive bases within chr5:112,839,979-112,839,988 gives the same sequence; the c. name uses the placement nearest the transcript's 3' end. VCF-style (leftmost placement, unchanged base first): chr5-112839978-AAG-A. GRCh37 (hg19) VCF-style: chr5-112175675-AAG-A.
Other names: NM_000038.6(APC):c.4393_4394del; p.Ser1465fs; c.4393_4394delAG (NM_000038.6); c.4393_4394del, p.Ser1465fs (NM_001127510.3, NM_001354895.2); c.4339_4340del, p.Ser1447fs (NM_001127511.3); c.4447_4448del, p.Ser1483fs (NM_001354896.2); c.4423_4424del, p.Ser1475fs (NM_001354897.2); c.4318_4319del, p.Ser1440fs (NM_001354898.2); and 8 more; short protein forms S1305fs, S1406fs, S1440fs, S1447fs, S1475fs, S1182fs, S1483fs, S1364fs.
Identifiers: ClinVar variation 811 (VCV000000811.32), dbSNP rs387906234, ClinGen allele CA009520.

ClinVar aggregate classification (germline): Pathogenic. Review status: reviewed by expert panel (3 of 4 stars). 17 submissions from 16 submitters: Pathogenic (1). 16 of the submissions do not count toward it. Last evaluated 2025-05-19.
ClinVar aggregate classification (oncogenicity): Oncogenic (1 of 4 stars; one submission).

Conditions:
APC associated polyposis.
Hereditary cancer-predisposing syndrome. Also called: Neoplastic Syndromes, Hereditary; Tumor predisposition; Hereditary Cancer Syndrome; Hereditary neoplastic syndrome. Identifiers: Orphanet 140162, MedGen C0027672, MeSH D009386, MONDO:0015356.
Familial multiple polyposis syndrome (FAP). Also called: Familial polyposis; Familial adenomatous polyposis; Familial intestinal polyposis; Familial Adenomatous Polyposis (FAP); Classic familial adenomatous polyposis. Identifiers: Orphanet 733, MedGen C0032580, MONDO:0021055. Disease mechanism: loss of function.
Familial adenomatous polyposis 1 (FAP1). Also called: POLYPOSIS, ADENOMATOUS INTESTINAL; FAMILIAL ADENOMATOUS POLYPOSIS 1, ATTENUATED. Identifiers: MedGen C2713442, MONDO:0021056, OMIM 175100. Disease mechanism: loss of function.
Carcinoma of colon (CRC). Also called: Colon carcinoma; Colonic carcinoma. Identifiers: MedGen C0699790, MONDO:0002032.
Colorectal cancer, susceptibility to. Identifiers: MedGen C1858438.
Gardner syndrome (GS). Also called: Gardner's syndrome; Polyposis coli and multiple hard and soft tissue tumors; Intestinal polyposis, osteomas, sebaceous cysts. Identifiers: MedGen C0017097, MONDO:0019336. Disease mechanism: loss of function.
Periampullary adenoma. Also called: Adenoma, periampullary, somatic. Identifiers: MedGen CN068444, MONDO:0000488.
Neoplasm. Also called: tumor; Neoplasms; Neoplasm (disease). Identifiers: MedGen C0027651, MeSH D009369, MONDO:0005070, HP:0002664.

Submissions 1 to 9 of 18:

ClinGen InSiGHT Hereditary Colorectal Cancer/Polyposis Variant Curation Expert Panel
Classification: Pathogenic for Familial adenomatous polyposis 1. Last evaluated: 2025-05-19. Review status: reviewed by expert panel. Criteria: ClinGen InSiGHT HCCP VCEP ACMG Specifications APC V1. Collection method: curation. Allele origin: germline. Inheritance: Autosomal dominant inheritance.
Comment: The NM_000038.6(APC):c.4393_4394del (p.Ser1465TrpfsTer3) variant in APC is a frameshift variant located between codon 49 and 2645 and predicted to cause a premature stop codon in exon 16 in a gene in which loss-of-function is an established disease mechanism (PVS1). This variant has been reported in 4 probands meeting 4 phenotype points (PS4_Strong, [PMID: 1316610, 28018803, 29998021, 28782241, 10768871]). The variant is absent from gnomAD v2.1.1 (PM2_Supporting). In summary, this variant meets the criteria to be classified as Pathogenic for autosomal-dominant inherited FAP based on the ACMG/AMP criteria applied, as specified by the ClinGen InSiGHT Hereditary Colorectal Cancer/Polyposis VCEP: criteria PVS1, PS4_Strong and PM2_Supporting applied (VCEP specifications version v2.1.0; date of approval 11/24/2023).

Genomics and Molecular Medicine Service, East Genomic Laboratory Hub, NHS Genomic Medicine Service
Classification: Pathogenic for APC associated polyposis. Last evaluated: 2026-10-28. Review status: criteria provided, single submitter. Criteria: ACGS Best Practice Guidelines for Variant Classification in Rare Disease 2020. Collection method: clinical testing. Allele origin: germline. Affected: yes. Not counted in ClinVar's aggregate classification.
Comment: PVS1,PS4_Moderate,PM2_Supporting

Center for Genomic Medicine, Rigshospitalet, Copenhagen University Hospital
Classification: Oncogenic for Neoplasm. Last evaluated: 2025-12-29. Review status: criteria provided, single submitter. Criteria: ClinGen/CGC/VICC Guidelines for Oncogenicity, 2022. Collection method: clinical testing. Allele origin: somatic. Affected: yes.

Mayo Clinic Laboratories, Mayo Clinic
Classification: Pathogenic. Last evaluated: 2025-09-24. Review status: criteria provided, single submitter. Criteria: ACMG Guidelines, 2015. Collection method: clinical testing. Allele origin: germline. Observed: 2 variant alleles. Not counted in ClinVar's aggregate classification.
Comment: PM2_supporting, PS4, PVS1

Labcorp Genetics (formerly Invitae), Labcorp
Classification: Pathogenic for Familial adenomatous polyposis 1. Last evaluated: 2025-09-22. Review status: criteria provided, single submitter. Criteria: Invitae Variant Classification Sherloc (09022015). Collection method: clinical testing. Allele origin: germline. Not counted in ClinVar's aggregate classification.
Comment: This sequence change creates a premature translational stop signal (p.Ser1465Trpfs*3) in the APC gene. While this is not anticipated to result in nonsense mediated decay, it is expected to disrupt the last 1379 amino acid(s) of the APC protein. This variant is not present in population databases (gnomAD no frequency). This premature translational stop signal has been observed in individual(s) with APC-related disease, including familial adenomatous polyposis and Gardner syndrome (PMID: 1316610, 10768871, 20685668, 26840078, 28018803, 28782241). This variant is also known as a 2-bp deletion (AG) at codon 1465, 4292-4293delGA and AG del. This variant is expected to disrupt the EB1 and HDLG binding sites, which mediate interactions with the cytoskeleton (PMID: 15311282, 17293347). While functional studies have not been performed to directly test the effect on APC protein function, this suggests that disruption of the C-terminal portion of the protein is functionally important. A different truncation (p.Tyr2645Lysfs*14) that lies downstream of this variant has been determined to be pathogenic (PMID: 9824584, 1316610, 27081525, 8381579, 22135120, internal data). This suggests that deletion of this region of the APC protein is causative of disease. For these reasons, this variant has been classified as Pathogenic.

Ambry Genetics
Classification: Pathogenic for Hereditary cancer-predisposing syndrome. Last evaluated: 2025-04-02. Review status: criteria provided, single submitter. Criteria: Ambry Variant Classification Scheme 2023. Collection method: clinical testing. Allele origin: germline. Not counted in ClinVar's aggregate classification.
Comment: The c.4393_4394delAG pathogenic mutation, located in coding exon 15 of the APC gene, results from a deletion of two nucleotides at nucleotide positions 4393 to 4394, causing a translational frameshift with a predicted alternate stop codon (p.S1465Wfs*3). This alteration occurs at the 3' terminus of theAPC gene, is not expected to trigger nonsense-mediated mRNA decay, and impacts the last 48% of the protein. However, premature stop codons are typically deleterious in nature, the impacted region is critical for protein function, and a significant portion of the protein is affected (Ambry internal data). This mutation has been reported in numerous individuals and families diagnosed with FAP, including families presenting with the Gardner syndrome phenotype (Miyoshi Y et al. Proc Natl Acad Sci USA, 1992 May 15;89(10):4452-6; Dobbie Z et al. J Med Genet, 1996 Apr;33(4):274-80; Friedl W and Aretz S. Hered Cancer Clin Pract, 2005 Sep 15;3(3):95-114; Rivera B et al. Ann Oncol, 2011 Apr;22(4):903-9; Torrezan GT et al. Orphanet J Rare Dis, 2013 Apr;8:54; Sch&auml;fer M et al. European J Pediatr Surg Rep, 2016 Dec;4:17-21; Yu F et al. J. Cell. Mol. Med, 2018 Jan;22:152-162; Neffa F et al. J Gastrointest Oncol, 2018 Jun;9:553-559). An individual with unexplained polyposis was also found to be mosaic for this mutation (Ciavarella M et al. Eur J Hum Genet, 2018 03;26:387-395). This variant is considered to be rare based on population cohorts in the Genome Aggregation Database (gnomAD). Based on the supporting evidence, this alteration is interpreted as a disease-causing mutation.

Institute of Human Genetics, FAU Erlangen, Friedrich-Alexander-Universität Erlangen-Nürnberg
Classification: Pathogenic for Familial adenomatous polyposis 1. Last evaluated: 2024-08-26. Review status: criteria provided, single submitter. Criteria: Hauer et al. (Genet Med. 2018). Collection method: clinical testing. Allele origin: germline. Inheritance: Unknown mechanism. Affected: yes. Observed: 1 variant allele. Not counted in ClinVar's aggregate classification.
Comment: This variant has been identified by standard clinical testing. Selected ACMG criteria: Pathogenic (I):PP4;PM2;PVS1

Women's Health and Genetics/Laboratory Corporation of America, LabCorp
Classification: Pathogenic for Familial multiple polyposis syndrome. Last evaluated: 2024-05-09. Review status: criteria provided, single submitter. Criteria: LabCorp Variant Classification Summary - May 2015. Collection method: clinical testing. Allele origin: germline. Not counted in ClinVar's aggregate classification.
Comment: Variant summary: APC c.4393_4394delAG (p.Ser1465TrpfsX3) results in a premature termination codon and although it is not expected to undergo nonsense mediated decay, it is predicted to cause a truncation of the encoded protein, which is a commonly known mechanism for disease. The variant was absent in 251224 control chromosomes (gnomAD). c.4393_4394delAG has been reported in the literature in individuals affected with familial adenomatous polyposis, colorectal cancer and Gardner fibroma and has been found to segregate with disease in at least one family (e.g. deOliverira_2022, Miyoshi_1992, Schafer_2016, Neffa_2018). These data indicate that the variant is very likely to be associated with disease. The following publications have been ascertained in the context of this evaluation (PMID: 35534704, 1316610, 28018803, 29998021). ClinVar contains an entry for this variant (Variation ID: 811). Based on the evidence outlined above, the variant was classified as pathogenic.

Myriad Genetics, Inc.
Classification: Pathogenic for Familial adenomatous polyposis 1. Last evaluated: 2023-05-10. Review status: criteria provided, single submitter. Criteria: Myriad Autosomal Dominant, Autosomal Recessive and X-Linked Classification Criteria (2023). Collection method: clinical testing. Allele origin: unknown. Not counted in ClinVar's aggregate classification.
Comment: This variant is considered pathogenic. This variant creates a frameshift predicted to result in premature protein truncation.